The following is an entry in ClinVar:

ClinVar aggregate classification (germline): Pathogenic (1 of 4 stars; one submission).

Conditions:
Mucopolysaccharidosis type 1. Also called: IDUA deficiency; MPS I; Mucopolysaccharidosis Type I. Identifiers: Orphanet 579, MedGen C0023786, MONDO:0001586.

Submission:

Labcorp Genetics (formerly Invitae), Labcorp
Classification: Pathogenic for Mucopolysaccharidosis type 1. Last evaluated: 2023-03-07. Review status: criteria provided, single submitter. Criteria: Invitae Variant Classification Sherloc (09022015). Collection method: clinical testing. Allele origin: germline.
Comment: This sequence change creates a premature translational stop signal (p.Tyr441*) in the IDUA gene. It is expected to result in an absent or disrupted protein product. Loss-of-function variants in IDUA are known to be pathogenic (PMID: 11735025, 21480867). This variant is not present in population databases (gnomAD no frequency). This variant has not been reported in the literature in individuals affected with IDUA-related conditions. For these reasons, this variant has been classified as Pathogenic.

Literature cited by the submitters: PubMed 11735025; PubMed 21480867.

NM_000203.5(IDUA):c.1323C>G (p.Tyr441Ter)

Gene: IDUA (alpha-L-iduronidase; plus strand). Cytogenetic location: 4p16.3.
Variant type: single nucleotide variant.
Coding change: c.1323C>G on transcript NM_000203.5 (MANE Select); coding-DNA position 1323, C replaced by G.
Protein change: p.Tyr441Ter; replaces tyrosine 441 with a stop codon.
Molecular consequence: nonsense. On other transcripts: non-coding transcript variant (1).
Genome position (GRCh38, 1-based): chr4:1,002,865, C>G. VCF-style: chr4-1002865-C-G. GRCh37 (hg19) VCF-style: chr4-996653-C-G.
Other names: c.927C>G, p.Tyr309Ter (NM_001363576.1); short protein forms Y441*, Y309*.
Identifiers: ClinVar variation 2843484 (VCV002843484.3), dbSNP rs1463087550, ClinGen allele CA355963974.